The following is an entry in ClinVar:

ClinVar aggregate classification (germline): Uncertain significance (1 of 4 stars; one submission).

Allele frequency attached by ClinVar (database versions not stated): ESP Exome Variant Server 0.00023; ExAC 0.00036; gnomAD exomes 0.00038 and 0.00043; 1000 Genomes Project 0.00040; 1000 Genomes Project 30x 0.00047.
gnomAD v4.1: 674 of 1,613,886 alleles (0.042%); highest among the groups gnomAD compares: South Asian, 0.11%; 2 homozygotes.

Submission:

Labcorp Genetics (formerly Invitae), Labcorp
Classification: Uncertain significance. Last evaluated: 2026-02-01. Review status: criteria provided, single submitter. Criteria: Invitae Variant Classification Sherloc (09022015). Collection method: clinical testing. Allele origin: germline.
Comment: This sequence change replaces threonine, which is neutral and polar, with methionine, which is neutral and non-polar, at codon 536 of the ITGAM protein (p.Thr536Met). This variant is present in population databases (rs202010329, gnomAD 0.09%), and has an allele count higher than expected for a pathogenic variant. This variant has not been reported in the literature in individuals affected with ITGAM-related conditions. ClinVar contains an entry for this variant (Variation ID: 1517642). An algorithm developed to predict the effect of missense changes on protein structure and function outputs the following: PolyPhen-2: "Possibly Damaging". The methionine amino acid residue is found in multiple mammalian species, which suggests that this missense change does not adversely affect protein function. In summary, the available evidence is currently insufficient to determine the role of this variant in disease. Therefore, it has been classified as a Variant of Uncertain Significance.

NM_000632.4(ITGAM):c.1607C>T (p.Thr536Met)

Gene: ITGAM (integrin subunit alpha M; plus strand). Cytogenetic location: 16p11.2.
Variant type: single nucleotide variant.
Coding change: c.1607C>T on transcript NM_000632.4 (MANE Select); coding-DNA position 1607, C replaced by T.
Protein change: p.Thr536Met; replaces threonine 536 with methionine.
Molecular consequence: missense variant.
Genome position (GRCh38, 1-based): chr16:31,297,854, C>T. VCF-style: chr16-31297854-C-T. GRCh37 (hg19) VCF-style: chr16-31309175-C-T.
Other names: c.1610C>T, p.Thr537Met (NM_001145808.2); short protein forms T536M, T537M.
Identifiers: ClinVar variation 1517642 (VCV001517642.6), dbSNP rs202010329, ClinGen allele CA8025611.